The following is an entry in ClinVar:

NM_153704.6(TMEM67):c.2101-8T>C

Gene: TMEM67 (transmembrane protein 67; plus strand). Cytogenetic location: 8q22.1.
Variant type: single nucleotide variant.
Coding change: c.2101-8T>C on transcript NM_153704.6 (MANE Select); 8 bases into the intron before coding-DNA position 2101, T replaced by C.
Molecular consequence: intron variant.
Genome position (GRCh38, 1-based): chr8:93,799,610, T>C. VCF-style: chr8-93799610-T-C. GRCh37 (hg19) VCF-style: chr8-94811838-T-C.
Other names: c.1858-8T>C (NM_001142301.1); c.2101-8T>C (NM_153704.5).
Identifiers: ClinVar variation 2931011 (VCV002931011.4), dbSNP rs544088620, ClinGen allele CA4808208.
Genomic context (GRCh38, chr8:93,799,610, plus strand): 5'-GTTTTCAGTCTAGAGTAGTTTTCTTTATCCATGTCCGTTTAAATTACTACTTTTCCTTTT[T>C]ACTCCAGGTTGTGGGATTCAAGAACTTAGCATTAATGGACTCATCTTCTAGTCTTTCTAG-3'

ClinVar aggregate classification (germline): Likely benign. Review status: criteria provided, multiple submitters, no conflicts (2 of 4 stars). 2 submissions from 2 submitters: Likely benign (2). Last evaluated 2025-04-18.

Conditions:
TMEM67-related disorder. Also called: TMEM67-related condition; TMEM67-related disorders. Identifiers: MedGen CN239423.
Meckel-Gruber syndrome. Also called: Dysencephalia splachnocystica; DYSENCEPHALIA SPLANCHNOCYSTICA; GRUBER SYNDROME. Identifiers: Orphanet 564, MedGen C0265215, MONDO:0018921.
Joubert syndrome. Also called: Familial aplasia of the vermis; JOUBERT-BOLTSHAUSER SYNDROME. Identifiers: Orphanet 475, MedGen C5979921, MONDO:0018772.

Allele frequency attached by ClinVar (database versions not stated): 1000 Genomes Project 30x 0.00016; 1000 Genomes Project 0.00020; gnomAD exomes below 0.00001; ExAC 0.00001; gnomAD 0.00001; TOPMed 0.00003.
gnomAD v4.1: 3 of 1,613,864 alleles (0.00019%); highest among the groups gnomAD compares: African/African-American, 0.0027%; no homozygotes.

Submissions (2):

PreventionGenetics, part of Exact Sciences
Classification: Likely benign for TMEM67-related condition. Last evaluated: 2025-04-18. Review status: criteria provided, single submitter. Criteria: ACMG Guidelines, 2015. Collection method: clinical testing. Allele origin: germline.
Comment: This variant is classified as likely benign based on ACMG/AMP sequence variant interpretation guidelines (Richards et al. 2015 PMID: 25741868, with internal and published modifications).

Labcorp Genetics (formerly Invitae), Labcorp
Classification: Likely benign for Joubert syndrome; Meckel-Gruber syndrome. Last evaluated: 2023-06-09. Review status: criteria provided, single submitter. Criteria: Invitae Variant Classification Sherloc (09022015). Collection method: clinical testing. Allele origin: germline.